The following is an entry in ClinVar:

ClinVar aggregate classification (germline): Pathogenic. Review status: criteria provided, multiple submitters, no conflicts (2 of 4 stars). 3 submissions from 3 submitters: Pathogenic (2). 1 of the submissions does not count toward it. Last evaluated 2023-05-26.

Conditions:
Inborn genetic diseases. Identifiers: MedGen C0950123, MeSH D030342.
Congenital disorder of glycosylation with defective fucosylation 1 (CDGF1). Identifiers: MedGen CN258220, MONDO:0020775, OMIM 618005.

Allele frequency attached by ClinVar (database versions not stated): gnomAD exomes 0.00001.
gnomAD v4.1: 8 of 1,613,774 alleles (0.0005%); highest among the groups gnomAD compares: East Asian, 0.0022%; no homozygotes.

Submissions (4):

GeneDx
Classification: Pathogenic. Last evaluated: 2023-05-26. Review status: criteria provided, single submitter. Criteria: GeneDx Variant Classification Process June 2021. Collection method: clinical testing. Allele origin: germline. Affected: yes.
Comment: Nonsense variant predicted to result in protein truncation or nonsense mediated decay in a gene for which loss of function is a known mechanism of disease; Not observed at significant frequency in large population cohorts (gnomAD); This variant is associated with the following publications: (PMID: 29304374)

Ambry Genetics
Classification: Pathogenic for Inborn genetic diseases. Last evaluated: 2018-01-30. Review status: criteria provided, single submitter. Criteria: Ambry exome assertion method (8-5-2015). Collection method: clinical testing. Allele origin: germline. Affected: yes. Observed: 1 variant allele.

OMIM
Classification: Pathogenic for CONGENITAL DISORDER OF GLYCOSYLATION WITH DEFECTIVE FUCOSYLATION 1. Last evaluated: 2019-02-20. Review status: no assertion criteria provided. Collection method: literature only. Allele origin: germline. Not counted in ClinVar's aggregate classification.

Dr. Peter K. Rogan Lab, Western University
No classification provided (evidence only). Condition: Malignant tumor of urinary bladder. Review status: no classification provided. Collection method: in vitro. Allele origin: not applicable. Functional consequence: retained intron. Not counted in ClinVar's aggregate classification.

Literature cited by the submitters: PubMed 29304374 (cited by Ambry Genetics and OMIM).

NM_001371533.1(FUT8):c.715C>T (p.Arg239Ter)

Gene: FUT8 (fucosyltransferase 8; plus strand). Cytogenetic location: 14q23.3.
Variant type: single nucleotide variant.
Coding change: c.715C>T on transcript NM_001371533.1 (MANE Select); coding-DNA position 715, C replaced by T.
Protein change: p.Arg239Ter; replaces arginine 239 with a stop codon.
Molecular consequence: nonsense. On other transcripts: non-coding transcript variant (1).
Genome position (GRCh38, 1-based): chr14:65,669,360, C>T. VCF-style: chr14-65669360-C-T. GRCh37 (hg19) VCF-style: chr14-66136078-C-T.
Other names: NC_000014.8:g.66136078C>T; c.715C>T, p.Arg239Ter (NM_001371534.1, NM_178155.3, NM_178156.2); c.817C>T, p.Arg273Ter (NM_001371536.1); c.226C>T, p.Arg76Ter (NM_004480.4); short protein forms R239*, R76*, R273*.
Identifiers: ClinVar variation 545465 (VCV000545465.7), dbSNP rs1460811017, ClinGen allele CA390119426.